The following is an entry in ClinVar:

ClinVar aggregate classification (germline): Uncertain significance (1 of 4 stars; one submission).

Submission:

Ambry Genetics
Classification: Uncertain significance. Last evaluated: 2023-06-04. Review status: criteria provided, single submitter. Criteria: Ambry Variant Classification Scheme 2023. Collection method: clinical testing. Allele origin: germline.
Comment: The p.I729K variant (also known as c.2186T>A), located in coding exon 4 of the ALPK2 gene, results from a T to A substitution at nucleotide position 2186. The isoleucine at codon 729 is replaced by lysine, an amino acid with dissimilar properties. This amino acid position is conserved. In addition, this alteration is predicted to be tolerated by in silico analysis. Since supporting evidence is limited at this time, the clinical significance of this alteration remains unclear.

NM_052947.4(ALPK2):c.2186T>A (p.Ile729Lys)

Gene: ALPK2 (alpha kinase 2; minus strand). Cytogenetic location: 18q21.31.
Variant type: single nucleotide variant.
Coding change: c.2186T>A on transcript NM_052947.4 (MANE Select); coding-DNA position 2186, T replaced by A.
Protein change: p.Ile729Lys; replaces isoleucine 729 with lysine.
Molecular consequence: missense variant.
Genome position (GRCh38, 1-based): chr18:58,538,001, A>T on the plus strand (T>A on the coding strand, the complement: ALPK2 is on the minus strand). VCF-style: chr18-58538001-A-T. GRCh37 (hg19) VCF-style: chr18-56205233-A-T.
Other names: short protein forms I729K.
Identifiers: ClinVar variation 2564106 (VCV002564106.2), dbSNP rs2518878014, ClinGen allele CA402571318.